The following is an entry in ClinVar:

NM_004006.3(DMD):c.5957C>T (p.Thr1986Ile)

Gene: DMD (dystrophin; minus strand). Cytogenetic location: Xp21.1.
Variant type: single nucleotide variant.
Coding change: c.5957C>T on transcript NM_004006.3 (MANE Select); coding-DNA position 5957, C replaced by T.
Protein change: p.Thr1986Ile; replaces threonine 1986 with isoleucine.
Molecular consequence: missense variant.
Genome position (GRCh38, 1-based): chrX:32,310,242, G>A on the plus strand (C>T on the coding strand, the complement: DMD is on the minus strand). VCF-style: chrX-32310242-G-A. GRCh37 (hg19) VCF-style: chrX-32328359-G-A.
Other names: p.Thr1986Ile; c.5933C>T, p.Thr1978Ile (NM_000109.4); c.5945C>T, p.Thr1982Ile (NM_004009.3); c.5588C>T, p.Thr1863Ile (NM_004010.3); c.1934C>T, p.Thr645Ile (NM_004011.4); c.1925C>T, p.Thr642Ile (NM_004012.4); short protein forms T1863I, T1982I, T1978I, T642I, T645I, T1986I.
Identifiers: ClinVar variation 4542480 (VCV004542480.2).
Genomic context (GRCh38, chrX:32,310,242, plus strand): 5'-TGAGTGATTTCAGTCAAATAAGTAGAAGGCACATAAGAAATTTCCAAAGGCATGTCTTCA[G>A]TCATCACCATCATCGTTTCTTCACGGACAGTGTGCTGGTATAGATATACAAAAGAACAAT-3'
Protein context (NP_003997.2, residues 1976-1996): TVREETMMVM[Thr1986Ile]EDMPLEISYV

ClinVar aggregate classification (germline): Uncertain significance. Review status: criteria provided, multiple submitters, no conflicts (2 of 4 stars). 2 submissions from 2 submitters: Uncertain significance (2). Last evaluated 2025-07-27.

Conditions:
Duchenne muscular dystrophy (DMD). Also called: MUSCULAR DYSTROPHY, PSEUDOHYPERTROPHIC PROGRESSIVE, DUCHENNE TYPE; Duchenne Muscular Dystrophy (DMD). Identifiers: Orphanet 98896, MedGen C0013264, MONDO:0010679, OMIM 310200.

gnomAD v4.1: 1 of 1,209,327 alleles (0.000083%); highest among the groups gnomAD compares: African/African-American, 0.0017%; no homozygotes.

Submissions (2):

Labcorp Genetics (formerly Invitae), Labcorp
Classification: Uncertain significance for Duchenne muscular dystrophy. Last evaluated: 2025-07-27. Review status: criteria provided, single submitter. Criteria: Invitae Variant Classification Sherloc (09022015). Collection method: clinical testing. Allele origin: germline.
Comment: This sequence change replaces threonine, which is neutral and polar, with isoleucine, which is neutral and non-polar, at codon 1986 of the DMD protein (p.Thr1986Ile). This variant is not present in population databases (gnomAD no frequency). This variant has not been reported in the literature in individuals affected with DMD-related conditions. Invitae Evidence Modeling of protein sequence and biophysical properties (such as structural, functional, and spatial information, amino acid conservation, physicochemical variation, residue mobility, and thermodynamic stability) indicates that this missense variant is not expected to disrupt DMD protein function with a negative predictive value of 95%. In summary, the available evidence is currently insufficient to determine the role of this variant in disease. Therefore, it has been classified as a Variant of Uncertain Significance.

Mayo Clinic Laboratories, Mayo Clinic
Classification: Uncertain significance. Last evaluated: 2025-02-25. Review status: criteria provided, single submitter. Criteria: ACMG Guidelines, 2015. Collection method: clinical testing. Allele origin: germline. Observed: 1 variant allele.
Comment: BP4_moderate, PM2_supporting